The following is an entry in ClinVar:

ClinVar aggregate classification (germline): Likely pathogenic. Review status: criteria provided, multiple submitters, no conflicts (2 of 4 stars). 3 submissions from 3 submitters: Likely pathogenic (3). Last evaluated 2024-02-25.

Conditions:
Pyridoxine-dependent epilepsy (EPEO4). Also called: EPILEPSY, EARLY-ONSET, 4, VITAMIN B6-DEPENDENT; PYRIDOXINE DEPENDENCY WITH SEIZURES; Pyridoxine-Dependent Seizures; Pyridoxine-Dependent Epilepsy - ALDH7A1. Identifiers: Orphanet 3006, MedGen C1849508, MONDO:0009945, OMIM 266100. Disease mechanism: loss of function.

Allele frequency attached by ClinVar (database versions not stated): gnomAD exomes below 0.00001; TOPMed 0.00001; gnomAD 0.00001.

Submissions (3):

Labcorp Genetics (formerly Invitae), Labcorp
Classification: Likely pathogenic for Pyridoxine-dependent epilepsy. Last evaluated: 2024-02-25. Review status: criteria provided, single submitter. Criteria: Invitae Variant Classification Sherloc (09022015). Collection method: clinical testing. Allele origin: germline.
Comment: This sequence change replaces proline, which is neutral and non-polar, with serine, which is neutral and polar, at codon 371 of the ALDH7A1 protein (p.Pro371Ser). This variant is present in population databases (no rsID available, gnomAD 0.0009%). This variant has not been reported in the literature in individuals affected with ALDH7A1-related conditions. ClinVar contains an entry for this variant (Variation ID: 1685238). Advanced modeling of protein sequence and biophysical properties (such as structural, functional, and spatial information, amino acid conservation, physicochemical variation, residue mobility, and thermodynamic stability) performed at Invitae indicates that this missense variant is expected to disrupt ALDH7A1 protein function with a positive predictive value of 95%. This variant disrupts the p.Pro371 amino acid residue in ALDH7A1. Other variant(s) that disrupt this residue have been determined to be pathogenic (PMID: 23953072; Invitae). This suggests that this residue is clinically significant, and that variants that disrupt this residue are likely to be disease-causing. In summary, the currently available evidence indicates that the variant is pathogenic, but additional data are needed to prove that conclusively. Therefore, this variant has been classified as Likely Pathogenic.

Unidad de Genómica Garrahan, Hospital de Pediatría Garrahan
Classification: Likely pathogenic for Pyridoxine-dependent epilepsy. Last evaluated: 2023-01-01. Review status: criteria provided, single submitter. Criteria: ACMG Guidelines, 2015. Collection method: clinical testing. Allele origin: germline. Affected: yes. Observed: 1 variant allele.
Comment: ACMG/AMP criteria applied: PM1_supporting, PM2_supporting, PM5_moderate, PP2_supporting, PP3_moderate. Probable compound heterozygous.

Mendelics
Classification: Likely pathogenic for Pyridoxine-dependent epilepsy. Last evaluated: 2022-05-04. Review status: criteria provided, single submitter. Criteria: Mendelics Assertion Criteria 2019. Collection method: clinical testing. Allele origin: germline.

Literature cited by the submitters: PubMed 23953072 (cited by Labcorp Genetics (formerly Invitae), Labcorp).

NM_001182.5(ALDH7A1):c.1111C>T (p.Pro371Ser)

Gene: ALDH7A1 (aldehyde dehydrogenase 7 family member A1; minus strand). Cytogenetic location: 5q23.2.
Variant type: single nucleotide variant.
Coding change: c.1111C>T on transcript NM_001182.5 (MANE Select); coding-DNA position 1111, C replaced by T.
Protein change: p.Pro371Ser; replaces proline 371 with serine.
Molecular consequence: missense variant. On other transcripts: intron variant (1).
Genome position (GRCh38, 1-based): chr5:126,554,376, G>A on the plus strand (C>T on the coding strand, the complement: ALDH7A1 is on the minus strand). VCF-style: chr5-126554376-G-A. GRCh37 (hg19) VCF-style: chr5-125890068-G-A.
Other names: NP_001173.2:p.(Pro371Ser); c.1027C>T, p.Pro343Ser (NM_001201377.2); c.1009-2239C>T (NM_001202404.2); short protein forms P343S, P371S.
Identifiers: ClinVar variation 1685238 (VCV001685238.7), dbSNP rs1045606047, ClinGen allele CA126887613.